The following is an entry in ClinVar:

NM_000257.4(MYH7):c.4465G>A (p.Glu1489Lys)

Genes: MHRT (myosin heavy chain associated RNA transcript; plus strand), MYH7 (myosin heavy chain 7; minus strand). Cytogenetic location: 14q11.2.
Variant type: single nucleotide variant.
Coding change: c.4465G>A on transcript NM_000257.4 (MANE Select); coding-DNA position 4465, G replaced by A.
Protein change: p.Glu1489Lys; replaces glutamic acid 1489 with lysine.
Molecular consequence: missense variant.
Genome position (GRCh38, 1-based): chr14:23,417,207, C>T on the plus strand (G>A on the coding strand, the complement: MYH7 is on the minus strand). VCF-style: chr14-23417207-C-T. GRCh37 (hg19) VCF-style: chr14-23886416-C-T.
Other names: c.4465G>A, p.Glu1489Lys (NM_001407004.1); short protein forms E1489K.
Identifiers: ClinVar variation 2860828 (VCV002860828.4), dbSNP rs2502250009, ClinGen allele CA389038356.

ClinVar aggregate classification (germline): Uncertain significance. Review status: criteria provided, multiple submitters, no conflicts (2 of 4 stars). 2 submissions from 2 submitters: Uncertain significance (2). Last evaluated 2026-01-11.

Conditions:
Hypertrophic cardiomyopathy. Also called: HYPERTROPHIC MYOCARDIOPATHY. Identifiers: Orphanet 217569, MedGen C0007194, MeSH D002312, MONDO:0005045, HP:0001639.
Cardiomyopathy (CMYO). Also called: Cardiomyopathies. Identifiers: Orphanet 167848, MedGen C0878544, MONDO:0004994, HP:0001638. Inheritance: Various modes of inheritance.

Allele frequency attached by ClinVar (database versions not stated): gnomAD exomes below 0.00001.
gnomAD v4.1: 1 of 1,614,218 alleles (0.000062%); no homozygotes.

Submissions (2):

Labcorp Genetics (formerly Invitae), Labcorp
Classification: Uncertain significance for Hypertrophic cardiomyopathy. Last evaluated: 2026-01-11. Review status: criteria provided, single submitter. Criteria: Invitae Variant Classification Sherloc (09022015). Collection method: clinical testing. Allele origin: germline.
Comment: This sequence change replaces glutamic acid, which is acidic and polar, with lysine, which is basic and polar, at codon 1489 of the MYH7 protein (p.Glu1489Lys). This variant is not present in population databases (gnomAD no frequency). This variant has not been reported in the literature in individuals affected with MYH7-related conditions. ClinVar contains an entry for this variant (Variation ID: 2860828). Invitae Evidence Modeling of protein sequence and biophysical properties (such as structural, functional, and spatial information, amino acid conservation, physicochemical variation, residue mobility, and thermodynamic stability) indicates that this missense variant is expected to disrupt MYH7 protein function with a positive predictive value of 95%. In summary, the available evidence is currently insufficient to determine the role of this variant in disease. Therefore, it has been classified as a Variant of Uncertain Significance.

All of Us Research Program, National Institutes of Health
Classification: Uncertain significance for Cardiomyopathy. Last evaluated: 2023-12-13. Review status: criteria provided, single submitter. Criteria: ACMG Guidelines, 2015. Collection method: clinical testing. Allele origin: germline. Inheritance: Autosomal dominant inheritance. Observed: 1 variant allele, 1 heterozygote.
Comment: This missense variant replaces glutamic acid with lysine at codon 1489 of the MYH7 protein. Computational prediction suggests that this variant may have deleterious impact on protein structure and function (internally defined REVEL score threshold >= 0.7, PMID: 27666373). To our knowledge, functional studies have not been reported for this variant. This variant has not been reported in individuals affected with MYH7-related disorders in the literature. This variant has not been identified in the general population by the Genome Aggregation Database (gnomAD). The available evidence is insufficient to determine the role of this variant in disease conclusively. Therefore, this variant is classified as a Variant of Uncertain Significance.

This study involves interpretation of variants in research participants for the purpose of population health screening. Participant phenotype was not available at the time of variant classification. Additional details can be found in publication PMID: 35346344, PMCID: PMC8962531